The following is an entry in ClinVar:

NM_001374828.1(ARID1B):c.1241C>G (p.Ala414Gly)

Gene: ARID1B (AT-rich interaction domain 1B; plus strand). Cytogenetic location: 6q25.3.
Variant type: single nucleotide variant.
Coding change: c.1241C>G on transcript NM_001374828.1 (MANE Select); coding-DNA position 1241, C replaced by G.
Protein change: p.Ala414Gly; replaces alanine 414 with glycine.
Molecular consequence: missense variant.
Genome position (GRCh38, 1-based): chr6:156,778,921, C>G. VCF-style: chr6-156778921-C-G. GRCh37 (hg19) VCF-style: chr6-157100055-C-G.
Other names: c.992C>G, p.Ala331Gly (NM_001346813.1, NM_020732.3); c.1241C>G, p.Ala414Gly (NM_001371656.1, NM_001374820.1, NM_017519.3); c.818C>G, p.Ala273Gly (NM_175863.2); short protein forms A273G, A331G, A414G.
Identifiers: ClinVar variation 2716826 (VCV002716826.5), dbSNP rs1462890053, ClinGen allele CA366383691.

ClinVar aggregate classification (germline): Benign. Review status: criteria provided, single submitter (1 of 4 stars). 2 submissions from 2 submitters: Benign (1). 1 of the submissions does not count toward it. Last evaluated 2023-11-27.

Conditions:
ARID1B-Related Disorder. Identifiers: MedGen CN381337.

gnomAD v4.1: 15 of 1,306,860 alleles (0.0011%); highest among the groups gnomAD compares: Middle Eastern, 0.026%; no homozygotes.

Submissions (2):

Labcorp Genetics (formerly Invitae), Labcorp
Classification: Benign. Last evaluated: 2023-11-27. Review status: criteria provided, single submitter. Criteria: Invitae Variant Classification Sherloc (09022015). Collection method: clinical testing. Allele origin: germline.

PreventionGenetics, part of Exact Sciences
Classification: Likely benign for ARID1B-related condition. Last evaluated: 2023-02-10. Review status: no assertion criteria provided. Collection method: clinical testing. Allele origin: germline. Not counted in ClinVar's aggregate classification.
Comment: This variant is classified as likely benign based on ACMG/AMP sequence variant interpretation guidelines (Richards et al. 2015 PMID: 25741868, with internal and published modifications).